The following is an entry in ClinVar:

ClinVar aggregate classification (germline): Likely benign (1 of 4 stars; one submission).

Allele frequency attached by ClinVar (database versions not stated): TOPMed below 0.00001 and 0.00001; gnomAD exomes below 0.00001; gnomAD 0.00001.

Submission:

Laboratory for Molecular Medicine, Mass General Brigham Personalized Medicine
Classification: Likely benign. Last evaluated: 2018-01-28. Review status: criteria provided, single submitter. Criteria: LMM Criteria. Collection method: clinical testing. Allele origin: germline. Observed: 1 variant allele.
Comment: p.Arg614Gly in exon 16 of LARS2: This variant is not expected to have clinical s ignificance due to a lack of conservation across species, including mammals. Of note, 4 mammals have a Glycine (Gly) at this position despite high nearby amino acid conservation. In addition, computational prediction tools do not suggest a high likelihood of impact to the protein. The variant has also been identified i n 1/111700 European chromosomes by the Genome Aggregation Database (gnomAD). ACMG/AMP criteria applied: BP4_Strong

NM_015340.4(LARS2):c.1840A>G (p.Arg614Gly)

Gene: LARS2 (leucyl-tRNA synthetase 2, mitochondrial; plus strand). Cytogenetic location: 3p21.31.
Variant type: single nucleotide variant.
Coding change: c.1840A>G on transcript NM_015340.4 (MANE Select); coding-DNA position 1840, A replaced by G.
Protein change: p.Arg614Gly; replaces arginine 614 with glycine.
Molecular consequence: missense variant.
Genome position (GRCh38, 1-based): chr3:45,513,214, A>G. VCF-style: chr3-45513214-A-G. GRCh37 (hg19) VCF-style: chr3-45554706-A-G.
Other names: c.1840A>G, p.Arg614Gly (NM_001368263.1); short protein forms R614G.
Identifiers: ClinVar variation 506249 (VCV000506249.4), dbSNP rs1447357435, ClinGen allele CA352427388.